The following is an entry in ClinVar:

ClinVar aggregate classification (germline): Uncertain significance. Review status: criteria provided, multiple submitters, no conflicts (2 of 4 stars). 2 submissions from 2 submitters: Uncertain significance (2). Last evaluated 2020-07-21.

Conditions:
Congenital contractural arachnodactyly (CCA). Also called: Arthrogryposis, distal, type 9; BEALS SYNDROME; Beals-Hecht syndrome. Identifiers: Orphanet 115, MedGen C0220668, MONDO:0007363, OMIM 121050.

Allele frequency attached by ClinVar (database versions not stated): TOPMed 0.00007.
gnomAD v4.1: 10 of 1,585,200 alleles (0.00063%); highest among the groups gnomAD compares: African/African-American, 0.013%; no homozygotes.

Submissions (2):

Labcorp Genetics (formerly Invitae), Labcorp
Classification: Uncertain significance for Congenital contractural arachnodactyly. Last evaluated: 2020-07-21. Review status: criteria provided, single submitter. Criteria: Invitae Variant Classification Sherloc (09022015). Collection method: clinical testing. Allele origin: germline.
Comment: This variant has not been reported in the literature in individuals with FBN2-related disease. ClinVar contains an entry for this variant (Variation ID: 286112). Algorithms developed to predict the effect of missense changes on protein structure and function do not agree on the potential impact of this missense change (SIFT: "Deleterious"; PolyPhen-2: "Benign"; Align-GVGD: "Class C65"). This sequence change replaces valine with glycine at codon 2149 of the FBN2 protein (p.Val2149Gly). The valine residue is highly conserved and there is a moderate physicochemical difference between valine and glycine. This variant is present in population databases (rs191065419, ExAC 0.02%). In summary, the available evidence is currently insufficient to determine the role of this variant in disease. Therefore, it has been classified as a Variant of Uncertain Significance. Algorithms developed to predict the effect of sequence changes on RNA splicing suggest that this variant may create or strengthen a splice site, but this prediction has not been confirmed by published transcriptional studies.

Eurofins Ntd Llc (ga)
Classification: Uncertain significance. Last evaluated: 2016-02-11. Review status: criteria provided, single submitter. Criteria: EGL Classification Definitions 2015. Collection method: clinical testing. Allele origin: germline. Observed: 1 variant allele, 1 heterozygote.

NM_001999.4(FBN2):c.6446T>G (p.Val2149Gly)

Gene: FBN2 (fibrillin 2; minus strand). Cytogenetic location: 5q23.3.
Variant type: single nucleotide variant.
Coding change: c.6446T>G on transcript NM_001999.4 (MANE Select); coding-DNA position 6446, T replaced by G.
Protein change: p.Val2149Gly; replaces valine 2149 with glycine.
Molecular consequence: missense variant.
Genome position (GRCh38, 1-based): chr5:128,289,947, A>C on the plus strand (T>G on the coding strand, the complement: FBN2 is on the minus strand). VCF-style: chr5-128289947-A-C. GRCh37 (hg19) VCF-style: chr5-127625639-A-C.
Other names: short protein forms V2149G.
Identifiers: ClinVar variation 286112 (VCV000286112.16), dbSNP rs191065419, ClinGen allele CA3394405.